The following is an entry in ClinVar:

ClinVar aggregate classification (germline): Uncertain significance. Review status: criteria provided, multiple submitters, no conflicts (2 of 4 stars). 4 submissions from 4 submitters: Uncertain significance (3). 1 of the submissions does not count toward it. Last evaluated 2025-04-21.

Conditions:
Joubert syndrome. Also called: Familial aplasia of the vermis; CEREBELLOPARENCHYMAL DISORDER IV; JOUBERT-BOLTSHAUSER SYNDROME. Identifiers: Orphanet 475, MedGen C5979921, MONDO:0018772.
Meckel-Gruber syndrome. Also called: Dysencephalia splachnocystica; DYSENCEPHALIA SPLANCHNOCYSTICA; GRUBER SYNDROME. Identifiers: Orphanet 564, MedGen C0265215, MONDO:0018921.
Inborn genetic diseases. Identifiers: MedGen C0950123, MeSH D030342.

Allele frequency attached by ClinVar (database versions not stated): ExAC 0.00001; gnomAD 0.00001; gnomAD exomes 0.00001; TOPMed 0.00001.
gnomAD v4.1: 12 of 1,613,950 alleles (0.00074%); highest among the groups gnomAD compares: Non-Finnish European, 0.001%; no homozygotes.

Submissions (4):

Ambry Genetics
Classification: Uncertain significance for Inborn genetic diseases. Last evaluated: 2025-04-21. Review status: criteria provided, single submitter. Criteria: Ambry Variant Classification Scheme 2023. Collection method: clinical testing. Allele origin: germline.

Labcorp Genetics (formerly Invitae), Labcorp
Classification: Uncertain significance for Joubert syndrome; Meckel-Gruber syndrome. Last evaluated: 2022-03-09. Review status: criteria provided, single submitter. Criteria: Invitae Variant Classification Sherloc (09022015). Collection method: clinical testing. Allele origin: germline.
Comment: This sequence change replaces histidine, which is basic and polar, with aspartic acid, which is acidic and polar, at codon 664 of the RPGRIP1L protein (p.His664Asp). This variant is present in population databases (rs763167296, gnomAD 0.003%). This variant has not been reported in the literature in individuals affected with RPGRIP1L-related conditions. ClinVar contains an entry for this variant (Variation ID: 1042714). Algorithms developed to predict the effect of missense changes on protein structure and function (SIFT, PolyPhen-2, Align-GVGD) all suggest that this variant is likely to be tolerated. In summary, the available evidence is currently insufficient to determine the role of this variant in disease. Therefore, it has been classified as a Variant of Uncertain Significance.

Revvity Omics, Revvity
Classification: Uncertain significance. Last evaluated: 2021-10-01. Review status: criteria provided, single submitter. Criteria: ACMG Guidelines, 2015. Collection method: clinical testing. Allele origin: germline.

Natera, Inc.
Classification: Uncertain significance for Joubert syndrome. Last evaluated: 2020-10-18. Review status: no assertion criteria provided. Collection method: clinical testing. Allele origin: germline. Not counted in ClinVar's aggregate classification.

NM_015272.5(RPGRIP1L):c.1990C>G (p.His664Asp)

Gene: RPGRIP1L (RPGRIP1 like; minus strand). Cytogenetic location: 16q12.2.
Variant type: single nucleotide variant.
Coding change: c.1990C>G on transcript NM_015272.5 (MANE Select); coding-DNA position 1990, C replaced by G.
Protein change: p.His664Asp; replaces histidine 664 with aspartic acid.
Molecular consequence: missense variant.
Genome position (GRCh38, 1-based): chr16:53,652,697, G>C on the plus strand (C>G on the coding strand, the complement: RPGRIP1L is on the minus strand). VCF-style: chr16-53652697-G-C. GRCh37 (hg19) VCF-style: chr16-53686609-G-C.
Other names: c.1990C>G (NM_015272.2); c.1990C>G, p.His664Asp (NM_001127897.4, NM_001308334.3, NM_001330538.2); short protein forms H664D.
Identifiers: ClinVar variation 1042714 (VCV001042714.11), dbSNP rs763167296, ClinGen allele CA8057658.
Genomic context (GRCh38, chr16:53,652,697, plus strand): 5'-GGTGGACCTCAAGGGTGATAGTATTCTTCTGAATATATTGCAAAAATAAGTCATTAACAT[G>C]AACAAGATATTGAGAAGTGAAGTTATATTCGGGATGAAGGCCTCGCACTACGGGAGTTGT-3'
Protein context (NP_056087.2, residues 654-674): EYNFTSQYLV[His664Asp]VNDLFLQYIQ